The following is an entry in ClinVar:

NM_031407.7(HUWE1):c.12619G>A (p.Val4207Ile)

Gene: HUWE1 (HECT, UBA and WWE domain containing E3 ubiquitin protein ligase 1; minus strand). Cytogenetic location: Xp11.22.
Variant type: single nucleotide variant.
Coding change: c.12619G>A on transcript NM_031407.7 (MANE Select); coding-DNA position 12619, G replaced by A.
Protein change: p.Val4207Ile; replaces valine 4207 with isoleucine.
Molecular consequence: missense variant.
Genome position (GRCh38, 1-based): chrX:53,535,414, C>T on the plus strand (G>A on the coding strand, the complement: HUWE1 is on the minus strand). VCF-style: chrX-53535414-C-T. GRCh37 (hg19) VCF-style: chrX-53562375-C-T.
Other names: short protein forms V4207I.
Identifiers: ClinVar variation 2577165 (VCV002577165.1), dbSNP rs2521855715, ClinGen allele CA413147690.
Genomic context (GRCh38, chrX:53,535,414, plus strand): 5'-CAACTAGAGGTCTAGGAACATTTCCCCTACCTGTCATTCTCATCTGGCATACCAGGTGTA[C>T]ATACTCCTTCTTATTCTCCTCTGTTACCAAGATGTTGGCCCCATTGGGTTTGAGGTCACG-3'
Protein context (NP_113584.3, residues 4197-4217): LVTEENKKEY[Val4207Ile]HLVCQMRMTG

ClinVar aggregate classification (germline): Likely pathogenic (1 of 4 stars; one submission).

Conditions:
Intellectual developmental disorder, X-linked, syndromic, Turner type. Also called: Intellectual disability, X-linked syndromic, Turner type; X-linked intellectual disability, Turner type. Identifiers: Orphanet 3056, Orphanet 85328, MedGen C2678046, MONDO:0010407, OMIM 309590.

Submission:

Women's Health and Genetics/Laboratory Corporation of America, LabCorp
Classification: Likely pathogenic for Intellectual developmental disorder, X-linked, syndromic, Turner type. Last evaluated: 2023-07-30. Review status: criteria provided, single submitter. Criteria: LabCorp Variant Classification Summary - May 2015. Collection method: clinical testing. Allele origin: germline.
Comment: Variant summary: HUWE1 c.12619G>A (p.Val4207Ile) results in a conservative amino acid change located in the HECT domain (IPR000569) of the encoded protein sequence. Three of five in-silico tools predict a benign effect of the variant on protein function. The variant was absent in 183367 control chromosomes. To our knowledge, no occurrence of c.12619G>A in individuals affected with Intellectual Disability, X-Linked Syndromic, Turner Type and no experimental evidence demonstrating its impact on protein function have been reported. However, this variant was observed as a de-novo occurrence in at-least one female proband with features of HUWE1-related disorder by exome analysis performed at our laboratory. De-novo variants in the HECT domain of HUWE1 have been reported in individuals with X-linked disability supporting a critical role of this region in protein function (PMID: 29180823). No submitters have cited clinical-significance assessments for this variant to ClinVar after 2014. Based on the evidence outlined above, the variant was classified as likely pathogenic.